The following is an entry in ClinVar:

ClinVar aggregate classification (germline): Likely benign. Review status: criteria provided, multiple submitters, no conflicts (2 of 4 stars). 2 submissions from 2 submitters: Likely benign (2). Last evaluated 2018-06-16.

Allele frequency attached by ClinVar (database versions not stated): 1000 Genomes Project 30x 0.00375; 1000 Genomes Project 0.00397; gnomAD 0.00992 and 0.01050; TOPMed 0.01082.
gnomAD v4.1: 14,096 of 1,089,674 alleles (1.3%); highest among the groups gnomAD compares: Non-Finnish European, 1.6%; 91 homozygotes.

Submissions (2):

GeneDx
Classification: Likely benign. Last evaluated: 2018-06-16. Review status: criteria provided, single submitter. Criteria: GeneDx Variant Classification (06012015). Collection method: clinical testing. Allele origin: germline. Affected: yes.
Comment: This variant is considered likely benign or benign based on one or more of the following criteria: it is a conservative change, it occurs at a poorly conserved position in the protein, it is predicted to be benign by multiple in silico algorithms, and/or has population frequency not consistent with disease.

Breakthrough Genomics
Classification: Likely benign. Review status: criteria provided, single submitter. Criteria: ACMG Guidelines, 2015. Collection method: not provided. Allele origin: germline. Inheritance: X-linked inheritance. Affected: yes.

NM_033641.4(COL4A6):c.3138+64C>T

Gene: COL4A6 (collagen type IV alpha 6 chain; minus strand). Cytogenetic location: Xq22.3.
Variant type: single nucleotide variant.
Coding change: c.3138+64C>T on transcript NM_033641.4 (MANE Select); 64 bases into the intron after coding-DNA position 3138, C replaced by T.
Molecular consequence: intron variant.
Genome position (GRCh38, 1-based): chrX:108,174,376, G>A on the plus strand (C>T on the coding strand, the complement: COL4A6 is on the minus strand). VCF-style: chrX-108174376-G-A. GRCh37 (hg19) VCF-style: chrX-107417606-G-A.
Other names: c.3141+64C>T (NM_001847.4); c.3138+64C>T (NM_001287760.2, NM_001287759.2); c.3189+64C>T (NM_001287758.2).
Identifiers: ClinVar variation 683532 (VCV000683532.2), dbSNP rs145357359, ClinGen allele CA334042384.
Genomic context (GRCh38, chrX:108,174,376, plus strand): 5'-TGAGGATGTCCTGGGAGAAGGGGCTGAGAAGTAAGCTGGGATCAGAGAGGTGGGCAGTGG[G>A]GGTATATCCCCGTGAGATGGGGGGCCTTTTCTGGTATAAAGACAAAGATCTGGTCACACT-3'